The following is an entry in ClinVar:

ClinVar aggregate classification (germline): Uncertain significance. Review status: criteria provided, single submitter (1 of 4 stars). 2 submissions from 2 submitters: Uncertain significance (1). 1 of the submissions does not count toward it. Last evaluated 2025-08-28.

Conditions:
IGSF3-related disorder. Also called: IGSF3-related condition.

Allele frequency attached by ClinVar (database versions not stated): 1000 Genomes Project 0.00359; 1000 Genomes Project 30x 0.00359; ESP Exome Variant Server 0.00369.
gnomAD v4.1: 872 of 1,614,110 alleles (0.054%); highest among the groups gnomAD compares: African/African-American, 1%; 5 homozygotes.

Submissions (2):

Ambry Genetics
Classification: Uncertain significance. Last evaluated: 2025-08-28. Review status: criteria provided, single submitter. Criteria: Ambry Variant Classification Scheme 2023. Collection method: clinical testing. Allele origin: germline.

PreventionGenetics, part of Exact Sciences
Classification: Benign for IGSF3-related condition. Last evaluated: 2019-10-02. Review status: no assertion criteria provided. Collection method: clinical testing. Allele origin: germline. Not counted in ClinVar's aggregate classification.
Comment: This variant is classified as benign based on ACMG/AMP sequence variant interpretation guidelines (Richards et al. 2015 PMID: 25741868, with internal and published modifications).

NM_001007237.3(IGSF3):c.2993G>C (p.Gly998Ala)

Gene: IGSF3 (immunoglobulin superfamily member 3; minus strand). Cytogenetic location: 1p13.1.
Variant type: single nucleotide variant.
Coding change: c.2993G>C on transcript NM_001007237.3 (MANE Select); coding-DNA position 2993, G replaced by C.
Protein change: p.Gly998Ala; replaces glycine 998 with alanine.
Molecular consequence: missense variant.
Genome position (GRCh38, 1-based): chr1:116,579,733, C>G on the plus strand (G>C on the coding strand, the complement: IGSF3 is on the minus strand). VCF-style: chr1-116579733-C-G. GRCh37 (hg19) VCF-style: chr1-117122355-C-G.
Other names: c.3053G>C (NM_001542.2); c.3053G>C, p.Gly1018Ala (NM_001542.4); short protein forms G1018A, G998A.
Identifiers: ClinVar variation 3033896 (VCV003033896.3), dbSNP rs141418874, ClinGen allele CA1026119.
Genomic context (GRCh38, chr1:116,579,733, plus strand): 5'-TCCTCCTCCTCCTCCCTTTCCTCTTCCTGTTCTTCCAGGCCAGGGCTGCTCCTTTTCCCC[C>G]CAGCTTTAGTCCTCAGGGAATACCAGGCCACAGCGAAGCGGGAGTCCTGGCTGGAGCGGG-3'
Protein context (NP_001007238.1, residues 988-1008): VAWYSLRTKA[Gly998Ala]GKRSSPGLEE